The following is an entry in ClinVar:

ClinVar aggregate classification (germline): Uncertain significance (1 of 4 stars; one submission).

Conditions:
Hereditary cancer-predisposing syndrome. Also called: Tumor predisposition; Neoplastic Syndromes, Hereditary; Hereditary Cancer Syndrome; Hereditary neoplastic syndrome. Identifiers: Orphanet 140162, MedGen C0027672, MeSH D009386, MONDO:0015356.

Submission:

Ambry Genetics
Classification: Uncertain significance for Hereditary cancer-predisposing syndrome. Last evaluated: 2024-09-22. Review status: criteria provided, single submitter. Criteria: Ambry Variant Classification Scheme 2023. Collection method: clinical testing. Allele origin: germline.
Comment: The p.V276E variant (also known as c.827T>A), located in coding exon 9 of the BRCA2 gene, results from a T to A substitution at nucleotide position 827. The valine at codon 276 is replaced by glutamic acid, an amino acid with dissimilar properties. This amino acid position is conserved. In addition, this alteration is predicted to be tolerated by in silico analysis. Based on the available evidence, the clinical significance of this variant remains unclear.

NM_000059.4(BRCA2):c.827T>A (p.Val276Glu)

Gene: BRCA2 (BRCA2 DNA repair associated; plus strand). Cytogenetic location: 13q13.1.
Variant type: single nucleotide variant.
Coding change: c.827T>A on transcript NM_000059.4 (MANE Select); coding-DNA position 827, T replaced by A.
Protein change: p.Val276Glu; replaces valine 276 with glutamic acid.
Molecular consequence: missense variant. On other transcripts: non-coding transcript variant (1), intron variant (1).
Genome position (GRCh38, 1-based): chr13:32,332,305, T>A. VCF-style: chr13-32332305-T-A. GRCh37 (hg19) VCF-style: chr13-32906442-T-A.
Other names: c.827T>A, p.Val276Glu (NM_001406719.1, NM_001406720.1, NM_001406721.1 and 1 more transcripts); c.424+1275T>A (NM_001406722.1); short protein forms V276E.
Identifiers: ClinVar variation 3482107 (VCV003482107.1).